The following is an entry in ClinVar:

NM_002643.4(PIGF):c.249C>G (p.Cys83Trp)

Gene: PIGF (phosphatidylinositol glycan anchor biosynthesis class F; minus strand). Cytogenetic location: 2p21.
Variant type: single nucleotide variant.
Coding change: c.249C>G on transcript NM_002643.4 (MANE Select); coding-DNA position 249, C replaced by G.
Protein change: p.Cys83Trp; replaces cysteine 83 with tryptophan.
Molecular consequence: missense variant.
Genome position (GRCh38, 1-based): chr2:46,613,765, G>C on the plus strand (C>G on the coding strand, the complement: PIGF is on the minus strand). VCF-style: chr2-46613765-G-C. GRCh37 (hg19) VCF-style: chr2-46840904-G-C.
Other names: c.249C>G, p.Cys83Trp (NM_173074.3); short protein forms C83W.
Identifiers: ClinVar variation 2466507 (VCV002466507.4), dbSNP rs370717506, ClinGen allele CA1646156.

ClinVar aggregate classification (germline): Uncertain significance. Review status: criteria provided, multiple submitters, no conflicts (2 of 4 stars). 2 submissions from 2 submitters: Uncertain significance (2). Last evaluated 2025-05-13.

Conditions:
Onychodystrophy, osteodystrophy, impaired intellectual development, and seizures syndrome. Also called: OORS SYNDROME; GLYCOSYLPHOSPHATIDYLINOSITOL BIOSYNTHESIS DEFECT 24. Identifiers: MedGen C5543496, MONDO:0859161, OMIM 619356.

Allele frequency attached by ClinVar (database versions not stated): gnomAD exomes 0.00002; ESP Exome Variant Server 0.00008; gnomAD 0.00008; ExAC 0.00009; TOPMed 0.00012; 1000 Genomes Project 30x 0.00016; 1000 Genomes Project 0.00020.
gnomAD v4.1: 44 of 1,551,808 alleles (0.0028%); highest among the groups gnomAD compares: East Asian, 0.045%; no homozygotes.

Submissions (2):

Ambry Genetics
Classification: Uncertain significance. Last evaluated: 2025-05-13. Review status: criteria provided, single submitter. Criteria: Ambry Variant Classification Scheme 2023. Collection method: clinical testing. Allele origin: germline.

3billion
Classification: Uncertain significance for Onychodystrophy, osteodystrophy, impaired intellectual development, and seizures syndrome. Last evaluated: 2023-06-27. Review status: criteria provided, single submitter. Criteria: ACMG Guidelines, 2015. Collection method: clinical testing. Allele origin: germline. Affected: yes.
Comment: The variant is observed at an extremely low frequency in the gnomAD v2.1.1 dataset (total allele frequency: 0.008%). Predicted Consequence/Location: Missense variant Therefore, this variant is classified as VUS according to the recommendation of ACMG/AMP guideline.